The following is an entry in ClinVar:

ClinVar aggregate classification (germline): Uncertain significance (1 of 4 stars; one submission).

Submission:

GeneDx
Classification: Uncertain significance. Last evaluated: 2024-01-30. Review status: criteria provided, single submitter. Criteria: GeneDx Variant Classification Process June 2021. Collection method: clinical testing. Allele origin: germline. Affected: yes.
Comment: Not observed at significant frequency in large population cohorts (gnomAD); In silico analysis supports that this missense variant has a deleterious effect on protein structure/function; Has not been previously published as pathogenic or benign to our knowledge; Variants in candidate genes are classified as variants of uncertain significance in accordance with ACMG guidelines (PMID: 25741868)

NM_003400.4(XPO1):c.1662T>A (p.Phe554Leu)

Gene: XPO1 (exportin 1; minus strand). Cytogenetic location: 2p15.
Variant type: single nucleotide variant.
Coding change: c.1662T>A on transcript NM_003400.4 (MANE Select); coding-DNA position 1662, T replaced by A.
Protein change: p.Phe554Leu; replaces phenylalanine 554 with leucine.
Molecular consequence: missense variant.
Genome position (GRCh38, 1-based): chr2:61,492,386, A>T on the plus strand (T>A on the coding strand, the complement: XPO1 is on the minus strand). VCF-style: chr2-61492386-A-T. GRCh37 (hg19) VCF-style: chr2-61719521-A-T.
Other names: c.1662T>A, p.Phe554Leu (NM_001410799.1); short protein forms F554L.
Identifiers: ClinVar variation 4076634 (VCV004076634.1).